The following is an entry in ClinVar:

NM_001164508.2(NEB):c.4748C>T (p.Ala1583Val)

Gene: NEB (nebulin; minus strand). Cytogenetic location: 2q23.3.
Variant type: single nucleotide variant.
Coding change: c.4748C>T on transcript NM_001164508.2 (MANE Select); coding-DNA position 4748, C replaced by T.
Protein change: p.Ala1583Val; replaces alanine 1583 with valine.
Molecular consequence: missense variant.
Genome position (GRCh38, 1-based): chr2:151,666,373, G>A on the plus strand (C>T on the coding strand, the complement: NEB is on the minus strand). VCF-style: chr2-151666373-G-A. GRCh37 (hg19) VCF-style: chr2-152522887-G-A.
Other names: c.4748C>T, p.Ala1583Val (NM_001164507.2, NM_001271208.2, NM_004543.5); c.4748C>T (NM_004543.4); short protein forms A1583V.
Identifiers: ClinVar variation 1386942 (VCV001386942.30), dbSNP rs761956085, ClinGen allele CA1910537.

ClinVar aggregate classification (germline): Conflicting classifications of pathogenicity. Review status: criteria provided, conflicting classifications (1 of 4 stars). 4 submissions from 4 submitters: Uncertain significance (1); Benign (1); Likely benign (2). Last evaluated 2026-01-12.

Conditions:
Inborn genetic diseases. Identifiers: MedGen C0950123, MeSH D030342.
Nemaline myopathy 2 (NEM2). Also called: Nemaline myopathy 2, autosomal recessive. Identifiers: MedGen C1850569, MONDO:0009725, OMIM 256030.
Arthrogryposis multiplex congenita 6. Identifiers: MedGen C5543431, MONDO:0030281, OMIM 619334.

Allele frequency attached by ClinVar (database versions not stated): gnomAD 0.00005; TOPMed 0.00010; gnomAD exomes 0.00012; ExAC 0.00015.
gnomAD v4.1: 86 of 1,613,620 alleles (0.0053%); highest among the groups gnomAD compares: Middle Eastern, 0.099%; 1 homozygote.

Submissions (4):

Labcorp Genetics (formerly Invitae), Labcorp
Classification: Benign for Nemaline myopathy 2. Last evaluated: 2026-01-12. Review status: criteria provided, single submitter. Criteria: Invitae Variant Classification Sherloc (09022015). Collection method: clinical testing. Allele origin: germline.

Ambry Genetics
Classification: Uncertain significance for Inborn genetic diseases. Last evaluated: 2024-11-09. Review status: criteria provided, single submitter. Criteria: Ambry Variant Classification Scheme 2023. Collection method: clinical testing. Allele origin: germline.

CeGaT Center for Human Genetics Tuebingen
Classification: Likely benign. Last evaluated: 2023-11-01. Review status: criteria provided, single submitter. Criteria: CeGaT Center For Human Genetics Tuebingen Variant Classification Criteria Version 2. Collection method: clinical testing. Allele origin: germline. Affected: yes. Observed: 1 variant allele.
Comment: NEB: BP4

Department of Pathology and Laboratory Medicine, Sinai Health System
Classification: Likely benign for Nemaline myopathy 2; Arthrogryposis multiplex congenita 6. Last evaluated: 2020-05-15. Review status: criteria provided, single submitter. Criteria: ACMG Guidelines, 2015. Collection method: research. Allele origin: germline.